The following is an entry in ClinVar:

ClinVar aggregate classification (germline): Uncertain significance (1 of 4 stars; one submission).

Submission:

Labcorp Genetics (formerly Invitae), Labcorp
Classification: Uncertain significance. Last evaluated: 2023-06-14. Review status: criteria provided, single submitter. Criteria: Invitae Variant Classification Sherloc (09022015). Collection method: clinical testing. Allele origin: germline.
Comment: In summary, the available evidence is currently insufficient to determine the role of this variant in disease. Therefore, it has been classified as a Variant of Uncertain Significance. Variants that disrupt the consensus splice site are a relatively common cause of aberrant splicing (PMID: 17576681, 9536098). Algorithms developed to predict the effect of sequence changes on RNA splicing suggest that this variant is not likely to affect RNA splicing. ClinVar contains an entry for this variant (Variation ID: 1378116). This variant has not been reported in the literature in individuals affected with TOP2B-related conditions. The frequency data for this variant in the population databases is considered unreliable, as metrics indicate poor data quality at this position in the gnomAD database. This sequence change falls in intron 8 of the TOP2B gene. It does not directly change the encoded amino acid sequence of the TOP2B protein. It affects a nucleotide within the consensus splice site.

Literature cited by the submitters: PubMed 17576681; PubMed 9536098.

NM_001330700.2(TOP2B):c.1026+6_1026+9del

Gene: TOP2B (DNA topoisomerase II beta; minus strand). Cytogenetic location: 3p24.2.
Variant type: Microsatellite.
Coding change: c.1026+6_1026+9del on transcript NM_001330700.2 (MANE Select); bases 6 to 9 of the intron after coding-DNA position 1026, 4 bases deleted (TAAG; older notation c.1026+6_1026+9delTAAG).
Molecular consequence: splice donor variant.
Genome position (GRCh38, 1-based): chr3:25,633,832-25,633,835, CTTA deleted on the plus strand (TAAG on the coding strand, the reverse complement: TOP2B is on the minus strand); deleting any 4 consecutive bases within chr3:25,633,832-25,633,842 gives the same sequence; the c. name uses the placement nearest the transcript's 3' end. VCF-style (leftmost placement, unchanged base first): chr3-25633831-GCTTA-G. GRCh37 (hg19) VCF-style: chr3-25675322-GCTTA-G.
Other names: c.1011+6_1011+9del (NM_001068.3).
Identifiers: ClinVar variation 1378116 (VCV001378116.6), dbSNP rs1315645088, ClinGen allele CA542154776.